The following is an entry in ClinVar:

NM_003906.5(MCM3AP):c.2412G>A (p.Ala804=)

Gene: MCM3AP (minichromosome maintenance complex component 3 associated protein; minus strand). Cytogenetic location: 21q22.3.
Variant type: single nucleotide variant.
Coding change: c.2412G>A on transcript NM_003906.5 (MANE Select); coding-DNA position 2412, G replaced by A.
Protein change: p.Ala804=; no amino-acid change (alanine 804 retained).
Molecular consequence: synonymous variant.
Genome position (GRCh38, 1-based): chr21:46,272,614, C>T on the plus strand (G>A on the coding strand, the complement: MCM3AP is on the minus strand). VCF-style: chr21-46272614-C-T. GRCh37 (hg19) VCF-style: chr21-47692528-C-T.
Other names: c.2412G>A (NM_003906.4).
Identifiers: ClinVar variation 1599132 (VCV001599132.11), dbSNP rs139440832, ClinGen allele CA10076822.

ClinVar aggregate classification (germline): Benign/Likely benign. Review status: criteria provided, multiple submitters, no conflicts (2 of 4 stars). 3 submissions from 3 submitters: Benign (1); Likely benign (1). 1 of the submissions does not count toward it. Last evaluated 2026-01-26.

Conditions:
MCM3AP-related disorder. Also called: MCM3AP-related condition.

Allele frequency attached by ClinVar (database versions not stated): gnomAD 0.00030; TOPMed 0.00031; 1000 Genomes Project 0.00040; ESP Exome Variant Server 0.00046; 1000 Genomes Project 30x 0.00047; ExAC 0.00058; gnomAD exomes 0.00064.
gnomAD v4.1: 464 of 1,614,184 alleles (0.029%); highest among the groups gnomAD compares: Middle Eastern, 0.016%; 2 homozygotes.

Submissions (3):

Labcorp Genetics (formerly Invitae), Labcorp
Classification: Benign. Last evaluated: 2026-01-26. Review status: criteria provided, single submitter. Criteria: Invitae Variant Classification Sherloc (09022015). Collection method: clinical testing. Allele origin: germline.

Blueprint Genetics
Classification: Likely benign. Last evaluated: 2024-11-27. Review status: criteria provided, single submitter. Criteria: ACMG Guidelines, 2015. Collection method: clinical testing. Allele origin: germline.

PreventionGenetics, part of Exact Sciences
Classification: Benign for MCM3AP-related condition. Last evaluated: 2019-07-30. Review status: no assertion criteria provided. Collection method: clinical testing. Allele origin: germline. Not counted in ClinVar's aggregate classification.
Comment: This variant is classified as benign based on ACMG/AMP sequence variant interpretation guidelines (Richards et al. 2015 PMID: 25741868, with internal and published modifications).